The following is an entry in ClinVar:

ClinVar aggregate classification (germline): Uncertain significance (1 of 4 stars; one submission).

Conditions:
Disseminated atypical mycobacterial infection. Identifiers: MedGen C0694566.

Submission:

Labcorp Genetics (formerly Invitae), Labcorp
Classification: Uncertain significance for Disseminated atypical mycobacterial infection. Last evaluated: 2021-08-11. Review status: criteria provided, single submitter. Criteria: Invitae Variant Classification Sherloc (09022015). Collection method: clinical testing. Allele origin: germline.
Comment: In summary, the available evidence is currently insufficient to determine the role of this variant in disease. Therefore, it has been classified as a Variant of Uncertain Significance. Algorithms developed to predict the effect of missense changes on protein structure and function are either unavailable or do not agree on the potential impact of this missense change (SIFT: "Deleterious"; PolyPhen-2: "Benign"; Align-GVGD: "Class C0"). This variant has not been reported in the literature in individuals affected with IFNGR1-related conditions. This variant is not present in population databases (ExAC no frequency). This sequence change replaces aspartic acid with glycine at codon 406 of the IFNGR1 protein (p.Asp406Gly). The aspartic acid residue is weakly conserved and there is a moderate physicochemical difference between aspartic acid and glycine.

NM_000416.3(IFNGR1):c.1217A>G (p.Asp406Gly)

Gene: IFNGR1 (interferon gamma receptor 1; minus strand). Cytogenetic location: 6q23.3.
Variant type: single nucleotide variant.
Coding change: c.1217A>G on transcript NM_000416.3 (MANE Select); coding-DNA position 1217, A replaced by G.
Protein change: p.Asp406Gly; replaces aspartic acid 406 with glycine.
Molecular consequence: missense variant.
Genome position (GRCh38, 1-based): chr6:137,198,284, T>C on the plus strand (A>G on the coding strand, the complement: IFNGR1 is on the minus strand). VCF-style: chr6-137198284-T-C. GRCh37 (hg19) VCF-style: chr6-137519421-T-C.
Other names: c.1187A>G, p.Asp396Gly (NM_001363526.1); c.1094A>G, p.Asp365Gly (NM_001363527.1); short protein forms D365G, D406G, D396G.
Identifiers: ClinVar variation 1432255 (VCV001432255.6), dbSNP rs997931680, ClinGen allele CA365772459.
Genomic context (GRCh38, chr6:137,198,284, plus strand): 5'-GATAAGGAGCTATGTGATTCCAGACAGCTGGAATCAGTATCAAAACCATTTCTGGAGTGA[T>C]CACTCTCAGAACAATTTCTGGAGTGATACGAGTTTAAAGCGATGCTGCCAGGTTCAGACT-3'
Protein context (NP_000407.1, residues 396-416): SYHSRNCSES[Asp406Gly]HSRNGFDTDS